The following is an entry in ClinVar:

ClinVar aggregate classification (germline): Uncertain significance (1 of 4 stars; one submission).

Submission:

GeneDx
Classification: Uncertain significance. Last evaluated: 2025-07-22. Review status: criteria provided, single submitter. Criteria: GeneDx Variant Classification Process June 2021. Collection method: clinical testing. Allele origin: germline. Affected: yes.
Comment: Not observed at significant frequency in large population cohorts (gnomAD); In silico analysis supports that this missense variant has a deleterious effect on protein structure/function; Has not been previously published as pathogenic or benign to our knowledge

NM_000540.3(RYR1):c.11505G>A (p.Met3835Ile)

Gene: RYR1 (ryanodine receptor 1; plus strand). Cytogenetic location: 19q13.2.
Variant type: single nucleotide variant.
Coding change: c.11505G>A on transcript NM_000540.3 (MANE Select); coding-DNA position 11505, G replaced by A.
Protein change: p.Met3835Ile; replaces methionine 3835 with isoleucine.
Molecular consequence: missense variant.
Genome position (GRCh38, 1-based): chr19:38,535,381, G>A. VCF-style: chr19-38535381-G-A. GRCh37 (hg19) VCF-style: chr19-39026021-G-A.
Other names: c.11490G>A, p.Met3830Ile (NM_001042723.2); short protein forms M3830I, M3835I.
Identifiers: ClinVar variation 4686911 (VCV004686911.1).
Genomic context (GRCh38, chr19:38,535,381, plus strand): 5'-GCTGGATTATCTTAAGGACAAGAAGGAAGTTGGCTTCTTCCAGAGTATCCAGGCACTGAT[G>A]CAAACATGCAGGTAGGTTCGAGTGGACCTCTTCTTGTTAAGCTGTGTTTGGTGCCACTGC-3'
Protein context (NP_000531.2, residues 3825-3845): VGFFQSIQAL[Met3835Ile]QTCSVLDLNA